The following is an entry in ClinVar:

ClinVar aggregate classification (germline): Uncertain significance. Review status: criteria provided, multiple submitters, no conflicts (2 of 4 stars). 2 submissions from 2 submitters: Uncertain significance (2). Last evaluated 2025-08-24.

Conditions:
Primary dilated cardiomyopathy (DCM). Also called: Dilated Cardiomyopathy. Identifiers: Orphanet 217604, MedGen C0007193, MeSH D002311, MONDO:0005021, HP:0001644. Inheritance: Various modes of inheritance.

Allele frequency attached by ClinVar (database versions not stated): ExAC 0.00002; gnomAD 0.00002; TOPMed 0.00002.
gnomAD v4.1: 59 of 1,614,100 alleles (0.0037%); highest among the groups gnomAD compares: Non-Finnish European, 0.0042%; no homozygotes.

Submissions (2):

Ambry Genetics
Classification: Uncertain significance. Last evaluated: 2025-08-24. Review status: criteria provided, single submitter. Criteria: Ambry Variant Classification Scheme 2023. Collection method: clinical testing. Allele origin: germline.

Labcorp Genetics (formerly Invitae), Labcorp
Classification: Uncertain significance for Primary dilated cardiomyopathy. Last evaluated: 2025-03-24. Review status: criteria provided, single submitter. Criteria: Invitae Variant Classification Sherloc (09022015). Collection method: clinical testing. Allele origin: germline.
Comment: This sequence change replaces arginine, which is basic and polar, with tryptophan, which is neutral and slightly polar, at codon 22 of the FHL2 protein (p.Arg22Trp). This variant is present in population databases (rs750377257, gnomAD 0.006%). This variant has not been reported in the literature in individuals affected with FHL2-related conditions. ClinVar contains an entry for this variant (Variation ID: 2341409). An algorithm developed to predict the effect of missense changes on protein structure and function (PolyPhen-2) suggests that this variant is likely to be disruptive. In summary, the available evidence is currently insufficient to determine the role of this variant in disease. Therefore, it has been classified as a Variant of Uncertain Significance.

NM_001318895.3(FHL2):c.64C>T (p.Arg22Trp)

Gene: FHL2 (four and a half LIM domains 2; minus strand). Cytogenetic location: 2q12.2.
Variant type: single nucleotide variant.
Coding change: c.64C>T on transcript NM_001318895.3 (MANE Select); coding-DNA position 64, C replaced by T.
Protein change: p.Arg22Trp; replaces arginine 22 with tryptophan.
Molecular consequence: missense variant. On other transcripts: 5 prime UTR variant (3).
Genome position (GRCh38, 1-based): chr2:105,386,453, G>A on the plus strand (C>T on the coding strand, the complement: FHL2 is on the minus strand). VCF-style: chr2-105386453-G-A. GRCh37 (hg19) VCF-style: chr2-106002910-G-A.
Other names: c.64C>T, p.Arg22Trp (NM_001039492.3, NM_001318894.1, NM_001318896.2 and 4 more transcripts); c.-104C>T (NM_001318897.2, NM_001318898.2); c.-383C>T (NM_001318899.2); short protein forms R22W.
Identifiers: ClinVar variation 2341409 (VCV002341409.6), dbSNP rs750377257, ClinGen allele CA1814874.